The following is an entry in ClinVar:

GRCh38/hg38 14q32.33(chr14:106450995-106714110)x3

Genes: IGH (immunoglobulin heavy locus; minus strand), IGHV1-45 (immunoglobulin heavy variable 1-45; minus strand), IGHV1-46 (immunoglobulin heavy variable 1-46; minus strand), IGHV1-58 (immunoglobulin heavy variable 1-58; minus strand), IGHV3-43 (immunoglobulin heavy variable 3-43; minus strand) and 9 more. Cytogenetic location: 14q32.33.
Variant type: copy number gain.
Change: copy number 3 (three copies instead of two) of chr14:106,450,995-106,714,110 (263.1 kb, GRCh38 coordinates, 1-based), cytogenetic band 14q32.33.
Identifiers: ClinVar variation 161007 (VCV000161007.1).

ClinVar aggregate classification (germline): Benign (1 of 4 stars; one submission).

Submission:

ISCA site 4
Classification: Benign. Last evaluated: 2011-08-12. Review status: criteria provided, single submitter. Criteria: Kaminsky et al. (Genet Med. 2011). Collection method: clinical testing. Allele origin: unknown. Affected: yes. Observed: 2 variant alleles.
Comment: Copy number variation identified through the course of routine clinical cytogenomic testing in postnatal populations. Clinical assertions have been curated as described in Kaminsky et al. 2011.